The following is an entry in ClinVar:

ClinVar aggregate classification (germline): Conflicting classifications of pathogenicity. Review status: criteria provided, conflicting classifications (1 of 4 stars). 5 submissions from 3 submitters: Uncertain significance (3); Benign (1); Likely benign (1). Last evaluated 2025-12-06.

Conditions:
Hereditary spherocytosis type 4. Also called: SLC4A1-Related Spherocytosis. Identifiers: Orphanet 822, MedGen C2675212, MONDO:0012981, OMIM 612653.
Autosomal dominant distal renal tubular acidosis (DRTA1). Also called: RTA, CLASSIC TYPE; RTA, DISTAL TYPE, AUTOSOMAL DOMINANT; RTA, GRADIENT TYPE; Renal Tubular Acidosis, Type I; RENAL TUBULAR ACIDOSIS, DISTAL, 1. Identifiers: Orphanet 93608, MedGen CN280572, MONDO:0008368, OMIM 179800.
Hemolytic anemia. Identifiers: MedGen C0002878, MONDO:0003664, HP:0001878.

Allele frequency attached by ClinVar (database versions not stated): gnomAD 0.00001 and 0.00003; TOPMed 0.00002; gnomAD exomes 0.00010 and 0.00016; 1000 Genomes Project 30x 0.00016; ExAC 0.00017; 1000 Genomes Project 0.00020.
gnomAD v4.1: 155 of 1,611,822 alleles (0.0096%); highest among the groups gnomAD compares: South Asian, 0.099%; no homozygotes.

Submissions (5):

Labcorp Genetics (formerly Invitae), Labcorp
Classification: Likely benign. Last evaluated: 2025-12-06. Review status: criteria provided, single submitter. Criteria: Invitae Variant Classification Sherloc (09022015). Collection method: clinical testing. Allele origin: germline.

Revvity Omics, Revvity
Classification: Uncertain significance. Last evaluated: 2023-10-05. Review status: criteria provided, single submitter. Criteria: ACMG Guidelines, 2015. Collection method: clinical testing. Allele origin: germline.

Illumina Laboratory Services, Illumina
Classification: Uncertain significance for Hereditary spherocytosis type 4. Last evaluated: 2018-01-13. Review status: criteria provided, single submitter. Criteria: ICSL Variant Classification Criteria 13 December 2019. Collection method: clinical testing. Allele origin: germline.

Illumina Laboratory Services, Illumina
Classification: Benign for Autosomal dominant distal renal tubular acidosis. Last evaluated: 2018-01-13. Review status: criteria provided, single submitter. Criteria: ICSL Variant Classification Criteria 13 December 2019. Collection method: clinical testing. Allele origin: germline.
Comment: This variant was observed in the ICSL laboratory as part of a predisposition screen in an ostensibly healthy population. It had not been previously curated by ICSL or reported in the Human Gene Mutation Database (HGMD: prior to June 1st, 2018), and was therefore a candidate for classification through an automated scoring system. Utilizing variant allele frequency, disease prevalence and penetrance estimates, and inheritance mode, an automated score was calculated to assess if this variant is too frequent to cause the disease. Based on the score and internal cut-off values, a variant classified as benign is not then subjected to further curation. The score for this variant resulted in a classification of benign for this disease.

Illumina Laboratory Services, Illumina
Classification: Uncertain significance for Hemolytic anemia. Last evaluated: 2018-01-13. Review status: criteria provided, single submitter. Criteria: ICSL Variant Classification Criteria 13 December 2019. Collection method: clinical testing. Allele origin: germline.

NM_000342.4(SLC4A1):c.173A>G (p.Tyr58Cys)

Gene: SLC4A1 (solute carrier family 4 member 1 (Diego blood group); minus strand). Cytogenetic location: 17q21.31.
Variant type: single nucleotide variant.
Coding change: c.173A>G on transcript NM_000342.4 (MANE Select); coding-DNA position 173, A replaced by G.
Protein change: p.Tyr58Cys; replaces tyrosine 58 with cysteine.
Molecular consequence: missense variant.
Genome position (GRCh38, 1-based): chr17:44,260,811, T>C on the plus strand (A>G on the coding strand, the complement: SLC4A1 is on the minus strand). VCF-style: chr17-44260811-T-C. GRCh37 (hg19) VCF-style: chr17-42338179-T-C.
Other names: short protein forms Y58C.
Identifiers: ClinVar variation 323520 (VCV000323520.9), dbSNP rs368863744, ClinGen allele CA8600679.
Genomic context (GRCh38, chr17:44,260,811, plus strand): 5'-GCCTCCATCCATCTCAGCTCCTGGTTCTTTTCGTCCATCACCAGCTCCTGCAGCTCCACA[T>C]AGACCTGTGGCCCCATGCGCCTGAGTTAGTTCATCAGGCATAGTCCAGGGCATAGTGGGT-3'
Protein context (NP_000333.1, residues 48-68): TTSHPGTHKV[Tyr58Cys]VELQELVMDE